The following is an entry in ClinVar:

NM_000312.4(PROC):c.399C>T (p.Arg133=)

Gene: PROC (protein C, inactivator of coagulation factors Va and VIIIa; plus strand). Cytogenetic location: 2q14.3.
Variant type: single nucleotide variant.
Coding change: c.399C>T on transcript NM_000312.4 (MANE Select); coding-DNA position 399, C replaced by T.
Protein change: p.Arg133=; no amino-acid change (arginine 133 retained).
Molecular consequence: synonymous variant. On other transcripts: missense variant (1).
Genome position (GRCh38, 1-based): chr2:127,423,170, C>T. VCF-style: chr2-127423170-C-T. GRCh37 (hg19) VCF-style: chr2-128180746-C-T.
Other names: p.Arg133=; c.582C>T, p.Arg194= (NM_001375602.1); c.462C>T, p.Arg154= (NM_001375603.1, NM_001375604.1); c.399C>T, p.Arg133= (NM_001375605.1, NM_001375608.1, NM_001375611.1 and 1 more transcripts); c.554C>T, p.Ala185Val (NM_001375606.1); c.483C>T, p.Arg161= (NM_001375607.1); c.375C>T, p.Arg125= (NM_001375609.1); c.393C>T, p.Arg131= (NM_001375610.1); short protein forms A185V.
Identifiers: ClinVar variation 331103 (VCV000331103.20), dbSNP rs200045749, ClinGen allele CA1859326.
Genomic context (GRCh38, chr2:127,423,170, plus strand): 5'-CGGCATCGGCAGCTTCAGCTGCGACTGCCGCAGCGGCTGGGAGGGCCGCTTCTGCCAGCG[C>T]GGTGAGGGGGAGAGGTGGATGCTGGCGGGCGGCGGGGCGGGGCTGGGGCCGGGTTGGGGG-3'
Protein context (NP_000303.1, residues 123-143): RSGWEGRFCQ[Arg133=]EVSFLNCSLD

ClinVar aggregate classification (germline): Benign/Likely benign. Review status: criteria provided, multiple submitters, no conflicts (2 of 4 stars). 6 submissions from 6 submitters: Benign (3); Likely benign (1). 2 of the submissions do not count toward it. Last evaluated 2026-01-02.

Conditions:
PROC-related disorder. Also called: PROC-related condition.
Reduced protein C activity. Identifiers: MedGen C0398625, MeSH D020151, HP:0005543.
Thrombophilia due to protein C deficiency, autosomal dominant. Also called: PROC DEFICIENCY, AUTOSOMAL DOMINANT; PROTEIN C DEFICIENCY, AUTOSOMAL DOMINANT. Identifiers: Orphanet 745, MedGen C2674321, MONDO:0008316, OMIM 176860. Disease mechanism: loss of function.

Allele frequency attached by ClinVar (database versions not stated): gnomAD exomes 0.00088 and 0.00039; ExAC 0.00133; 1000 Genomes Project 0.00260; 1000 Genomes Project 30x 0.00344; gnomAD 0.00394 and 0.00427; TOPMed 0.00457.
gnomAD v4.1: 1,123 of 1,494,778 alleles (0.075%); highest among the groups gnomAD compares: African/African-American, 1.4%; 8 homozygotes.

Submissions (6):

Labcorp Genetics (formerly Invitae), Labcorp
Classification: Benign for Thrombophilia due to protein C deficiency, autosomal dominant. Last evaluated: 2026-01-02. Review status: criteria provided, single submitter. Criteria: Invitae Variant Classification Sherloc (09022015). Collection method: clinical testing. Allele origin: germline.

Mayo Clinic Laboratories, Mayo Clinic
Classification: Benign. Last evaluated: 2024-04-25. Review status: criteria provided, single submitter. Criteria: ACMG Guidelines, 2015. Collection method: clinical testing. Allele origin: germline. Observed: 12 variant alleles.

Mendelics
Classification: Benign for Thrombophilia due to protein C deficiency, autosomal dominant. Last evaluated: 2019-05-28. Review status: criteria provided, single submitter. Criteria: Mendelics Assertion Criteria 2017. Collection method: clinical testing. Allele origin: unknown.

Illumina Laboratory Services, Illumina
Classification: Likely benign for Thrombophilia due to protein C deficiency, autosomal dominant. Last evaluated: 2017-04-28. Review status: criteria provided, single submitter. Criteria: ICSL Variant Classification Criteria 13 December 2019. Collection method: clinical testing. Allele origin: germline.
Comment: This variant was observed as part of a predisposition screen in an ostensibly healthy population. A literature search was performed for the gene, cDNA change, and amino acid change (where applicable). No publications were found based on this search. Allele frequency data from public databases allowed determination this variant is unlikely to cause disease. Therefore, this variant is classified as likely benign.

PreventionGenetics, part of Exact Sciences
Classification: Likely benign for PROC-related condition. Last evaluated: 2021-04-06. Review status: no assertion criteria provided. Collection method: clinical testing. Allele origin: germline. Not counted in ClinVar's aggregate classification.
Comment: This variant is classified as likely benign based on ACMG/AMP sequence variant interpretation guidelines (Richards et al. 2015 PMID: 25741868, with internal and published modifications).

ISTH-SSC Genomics in Thrombosis and Hemostasis, KU Leuven, Center for Molecular and Vascular Biology
Classification: Benign for Reduced protein C activity. Review status: no assertion criteria provided. Collection method: clinical testing. Allele origin: unknown. Affected: yes. Not counted in ClinVar's aggregate classification.
Comment: Submitted to GoldVariant by Prof Kathleen Freson from Center for Molecular and Vascular Biology, Leuven, Belgium